The following is an entry in ClinVar:

ClinVar aggregate classification (germline): Uncertain significance (1 of 4 stars; one submission).

Submission:

GeneDx
Classification: Uncertain significance. Last evaluated: 2023-05-10. Review status: criteria provided, single submitter. Criteria: GeneDx Variant Classification Process June 2021. Collection method: clinical testing. Allele origin: germline. Affected: yes.
Comment: Identified in a patient from a cohort of neonates with multiple congenital anomalies (Wang et al., 2021); this patient harbored a second variant in the COL11A1 gene in trans; Not observed at significant frequency in large population cohorts (gnomAD); Not located in the triple helical region, where the majority of pathogenic missense variants occur (HGMD; Acke et al., 2014); In silico analysis supports that this missense variant has a deleterious effect on protein structure/function; This variant is associated with the following publications: (PMID: 33502061)

NM_001854.4(COL11A1):c.4771G>A (p.Glu1591Lys)

Gene: COL11A1 (collagen type XI alpha 1 chain; minus strand). Cytogenetic location: 1p21.1.
Variant type: single nucleotide variant.
Coding change: c.4771G>A on transcript NM_001854.4 (MANE Select); coding-DNA position 4771, G replaced by A.
Protein change: p.Glu1591Lys; replaces glutamic acid 1591 with lysine.
Molecular consequence: missense variant. On other transcripts: non-coding transcript variant (1).
Genome position (GRCh38, 1-based): chr1:102,886,894, C>T on the plus strand (G>A on the coding strand, the complement: COL11A1 is on the minus strand). VCF-style: chr1-102886894-C-T. GRCh37 (hg19) VCF-style: chr1-103352450-C-T.
Other names: c.4423G>A, p.Glu1475Lys (NM_001168249.1, NM_080630.4); c.4654G>A, p.Glu1552Lys (NM_001190709.2); c.4807G>A, p.Glu1603Lys (NM_080629.3); short protein forms E1475K, E1552K, E1591K, E1603K.
Identifiers: ClinVar variation 2663226 (VCV002663226.1), dbSNP rs1282721396, ClinGen allele CA341211895.